The following is an entry in ClinVar:

ClinVar aggregate classification (germline): Uncertain significance. Review status: criteria provided, multiple submitters, no conflicts (2 of 4 stars). 2 submissions from 2 submitters: Uncertain significance (2). Last evaluated 2025-03-22.

Conditions:
Kostmann syndrome (SCN3). Also called: Autosomal recessive severe congenital neutropenia type 3; KOSTMANN DISEASE. Identifiers: Orphanet 99749, MedGen C5235141, MONDO:0012548, OMIM 610738.
Inborn genetic diseases. Identifiers: MedGen C0950123, MeSH D030342.

Allele frequency attached by ClinVar (database versions not stated): gnomAD exomes below 0.00001; gnomAD 0.00001; TOPMed 0.00002.
gnomAD v4.1: 3 of 1,613,940 alleles (0.00019%); highest among the groups gnomAD compares: African/African-American, 0.004%; no homozygotes.

Submissions (2):

Ambry Genetics
Classification: Uncertain significance for Inborn genetic diseases. Last evaluated: 2025-03-22. Review status: criteria provided, single submitter. Criteria: Ambry Variant Classification Scheme 2023. Collection method: clinical testing. Allele origin: germline.
Comment: The p.S128A variant (also known as c.382T>G), located in coding exon 3 of the HAX1 gene, results from a T to G substitution at nucleotide position 382. The serine at codon 128 is replaced by alanine, an amino acid with similar properties. This amino acid position is conserved. In addition, this alteration is predicted to be tolerated by in silico analysis. Based on the available evidence, the clinical significance of this variant remains unclear.

Labcorp Genetics (formerly Invitae), Labcorp
Classification: Uncertain significance for Kostmann syndrome. Last evaluated: 2022-08-19. Review status: criteria provided, single submitter. Criteria: Invitae Variant Classification Sherloc (09022015). Collection method: clinical testing. Allele origin: germline.
Comment: This sequence change replaces serine, which is neutral and polar, with alanine, which is neutral and non-polar, at codon 128 of the HAX1 protein (p.Ser128Ala). This variant is present in population databases (no rsID available, gnomAD 0.007%). This variant has not been reported in the literature in individuals affected with HAX1-related conditions. Algorithms developed to predict the effect of missense changes on protein structure and function (SIFT, PolyPhen-2, Align-GVGD) all suggest that this variant is likely to be tolerated. In summary, the available evidence is currently insufficient to determine the role of this variant in disease. Therefore, it has been classified as a Variant of Uncertain Significance.

NM_006118.4(HAX1):c.382T>G (p.Ser128Ala)

Gene: HAX1 (HCLS1 associated protein X-1; plus strand). Cytogenetic location: 1q21.3.
Variant type: single nucleotide variant.
Coding change: c.382T>G on transcript NM_006118.4 (MANE Select); coding-DNA position 382, T replaced by G.
Protein change: p.Ser128Ala; replaces serine 128 with alanine.
Molecular consequence: missense variant.
Genome position (GRCh38, 1-based): chr1:154,273,839, T>G. VCF-style: chr1-154273839-T-G. GRCh37 (hg19) VCF-style: chr1-154246315-T-G.
Other names: c.238T>G, p.Ser80Ala (NM_001018837.2); short protein forms S128A, S80A.
Identifiers: ClinVar variation 2162483 (VCV002162483.2), dbSNP rs1359764607, ClinGen allele CA342592522.